The following is an entry in ClinVar:

NM_024795.4(TM4SF20):c.619C>T (p.Leu207Phe)

Gene: TM4SF20 (transmembrane 4 L six family member 20; minus strand). Cytogenetic location: 2q36.3.
Variant type: single nucleotide variant.
Coding change: c.619C>T on transcript NM_024795.4 (MANE Select); coding-DNA position 619, C replaced by T.
Protein change: p.Leu207Phe; replaces leucine 207 with phenylalanine.
Molecular consequence: missense variant.
Genome position (GRCh38, 1-based): chr2:227,363,795, G>A on the plus strand (C>T on the coding strand, the complement: TM4SF20 is on the minus strand). VCF-style: chr2-227363795-G-A. GRCh37 (hg19) VCF-style: chr2-228228511-G-A.
Other names: short protein forms L207F.
Identifiers: ClinVar variation 4804880 (VCV004804880.1).

ClinVar aggregate classification (germline): Uncertain significance (1 of 4 stars; one submission).

Submission:

Labcorp Genetics (formerly Invitae), Labcorp
Classification: Uncertain significance. Last evaluated: 2025-11-04. Review status: criteria provided, single submitter. Criteria: Invitae Variant Classification Sherloc (09022015). Collection method: clinical testing. Allele origin: germline.
Comment: This sequence change replaces leucine, which is neutral and non-polar, with phenylalanine, which is neutral and non-polar, at codon 207 of the TM4SF20 protein (p.Leu207Phe). This variant is not present in population databases (gnomAD no frequency). This variant has not been reported in the literature in individuals affected with TM4SF20-related conditions. An algorithm developed to predict the effect of missense changes on protein structure and function outputs the following: PolyPhen-2: "Benign". The phenylalanine amino acid residue is found in multiple mammalian species, which suggests that this missense change does not adversely affect protein function. In summary, the available evidence is currently insufficient to determine the role of this variant in disease. Therefore, it has been classified as a Variant of Uncertain Significance.